The following is an entry in ClinVar:

ClinVar aggregate classification (germline): Uncertain significance (1 of 4 stars; one submission).

Conditions:
Spermatogenic failure 18. Identifiers: MedGen C4539783, MONDO:0054615, OMIM 617576.
Ciliary dyskinesia, primary, 37 (CILD37). Also called: CILIARY DYSKINESIA, PRIMARY, 37, WITH OR WITHOUT SITUS INVERSUS. Identifiers: MedGen C4539798, MONDO:0033204, OMIM 617577.

Allele frequency attached by ClinVar (database versions not stated): gnomAD exomes below 0.00001 and 0.00002; gnomAD 0.00001; ExAC 0.00002; TOPMed 0.00004; ESP Exome Variant Server 0.00008.
gnomAD v4.1: 6 of 1,613,866 alleles (0.00037%); highest among the groups gnomAD compares: African/African-American, 0.0067%; no homozygotes.

Submission:

Labcorp Genetics (formerly Invitae), Labcorp
Classification: Uncertain significance for Ciliary dyskinesia, primary, 37; Spermatogenic failure 18. Last evaluated: 2022-09-07. Review status: criteria provided, single submitter. Criteria: Invitae Variant Classification Sherloc (09022015). Collection method: clinical testing. Allele origin: germline.
Comment: In summary, the available evidence is currently insufficient to determine the role of this variant in disease. Therefore, it has been classified as a Variant of Uncertain Significance. Algorithms developed to predict the effect of sequence changes on RNA splicing suggest that this variant may create or strengthen a splice site. Algorithms developed to predict the effect of missense changes on protein structure and function are either unavailable or do not agree on the potential impact of this missense change (SIFT: "Deleterious"; PolyPhen-2: "Benign"; Align-GVGD: "Class C0"). ClinVar contains an entry for this variant (Variation ID: 1521554). This variant has not been reported in the literature in individuals affected with DNAH1-related conditions. This variant is present in population databases (rs201759347, gnomAD 0.03%). This sequence change replaces aspartic acid, which is acidic and polar, with valine, which is neutral and non-polar, at codon 4212 of the DNAH1 protein (p.Asp4212Val).

NM_015512.5(DNAH1):c.12635A>T (p.Asp4212Val)

Gene: DNAH1 (dynein axonemal heavy chain 1; plus strand). Cytogenetic location: 3p21.1.
Variant type: single nucleotide variant.
Coding change: c.12635A>T on transcript NM_015512.5 (MANE Select); coding-DNA position 12635, A replaced by T.
Protein change: p.Asp4212Val; replaces aspartic acid 4212 with valine.
Molecular consequence: missense variant.
Genome position (GRCh38, 1-based): chr3:52,399,738, A>T. VCF-style: chr3-52399738-A-T. GRCh37 (hg19) VCF-style: chr3-52433754-A-T.
Other names: short protein forms D4212V.
Identifiers: ClinVar variation 1521554 (VCV001521554.7), dbSNP rs201759347, ClinGen allele CA2436523.
Genomic context (GRCh38, chr3:52,399,738, plus strand): 5'-ACACAGAGATGGCCGTTATCTGGCTCTTGCCAACACCCAACCGCAAGGCCCAGGACCAGG[A>T]CTTTTACCTGTGCCCCATCTACAAGACACTGACTCGTGCTGGTATGAGGCCTGGGATGGG-3'
Protein context (NP_056327.4, residues 4202-4222): PTPNRKAQDQ[Asp4212Val]FYLCPIYKTL